The following is an entry in ClinVar:

ClinVar aggregate classification (germline): Uncertain significance. Review status: criteria provided, multiple submitters, no conflicts (2 of 4 stars). 5 submissions from 3 submitters: Uncertain significance (5). Last evaluated 2023-04-11.

Conditions:
Cardiovascular phenotype. Identifiers: MedGen CN230736.
Cardiomyopathy, familial restrictive, 3. Identifiers: Orphanet 75249, MedGen C2676271, MONDO:0012900, OMIM 612422.
Hypertrophic cardiomyopathy 2. Also called: TNNT2-Related Familial Hypertrophic Cardiomyopathy. Identifiers: MedGen C1861864, MONDO:0007266, OMIM 115195.
Dilated cardiomyopathy 1D. Identifiers: Orphanet 154, Orphanet 54260, MedGen C1832243, MONDO:0011095, OMIM 601494.

Submissions (5):

Genome-Nilou Lab
Classification: Uncertain significance for Dilated cardiomyopathy 1D. Last evaluated: 2023-04-11. Review status: criteria provided, single submitter. Criteria: ACMG Guidelines, 2015. Collection method: clinical testing. Allele origin: germline. Affected: no.

Genome-Nilou Lab
Classification: Uncertain significance for Cardiomyopathy, familial restrictive, 3. Last evaluated: 2023-04-11. Review status: criteria provided, single submitter. Criteria: ACMG Guidelines, 2015. Collection method: clinical testing. Allele origin: germline. Affected: no.

Genome-Nilou Lab
Classification: Uncertain significance for Hypertrophic cardiomyopathy 2. Last evaluated: 2023-04-11. Review status: criteria provided, single submitter. Criteria: ACMG Guidelines, 2015. Collection method: clinical testing. Allele origin: germline. Affected: no.

Ambry Genetics
Classification: Uncertain significance for Cardiovascular phenotype. Last evaluated: 2023-01-03. Review status: criteria provided, single submitter. Criteria: Ambry Variant Classification Scheme 2023. Collection method: clinical testing. Allele origin: germline.
Comment: The p.N73T variant (also known as c.218A>C), located in coding exon 7 of the TNNT2 gene, results from an A to C substitution at nucleotide position 218. The asparagine at codon 73 is replaced by threonine, an amino acid with similar properties. This amino acid position is conserved. In addition, the in silico prediction for this alteration is inconclusive. Since supporting evidence is limited at this time, the clinical significance of this alteration remains unclear.

Labcorp Genetics (formerly Invitae), Labcorp
Classification: Uncertain significance for Cardiomyopathy, familial restrictive, 3; Hypertrophic cardiomyopathy 2; Dilated cardiomyopathy 1D. Last evaluated: 2022-05-20. Review status: criteria provided, single submitter. Criteria: Invitae Variant Classification Sherloc (09022015). Collection method: clinical testing. Allele origin: germline.
Comment: This variant is not present in population databases (gnomAD no frequency). Algorithms developed to predict the effect of missense changes on protein structure and function are either unavailable or do not agree on the potential impact of this missense change (SIFT: "Deleterious"; PolyPhen-2: "Possibly Damaging"; Align-GVGD: "Class C0"). This variant has not been reported in the literature in individuals affected with TNNT2-related conditions. This sequence change replaces asparagine, which is neutral and polar, with threonine, which is neutral and polar, at codon 73 of the TNNT2 protein (p.Asn73Thr). In summary, the available evidence is currently insufficient to determine the role of this variant in disease. Therefore, it has been classified as a Variant of Uncertain Significance.

NM_001276345.2(TNNT2):c.248A>C (p.Asn83Thr)

Gene: TNNT2 (troponin T2, cardiac type; minus strand). Cytogenetic location: 1q32.1.
Variant type: single nucleotide variant.
Coding change: c.248A>C on transcript NM_001276345.2 (MANE Select); coding-DNA position 248, A replaced by C.
Protein change: p.Asn83Thr; replaces asparagine 83 with threonine.
Molecular consequence: missense variant.
Genome position (GRCh38, 1-based): chr1:201,365,656, T>G on the plus strand (A>C on the coding strand, the complement: TNNT2 is on the minus strand). VCF-style: chr1-201365656-T-G. GRCh37 (hg19) VCF-style: chr1-201334784-T-G.
Other names: c.248A>C, p.Asn83Thr (NM_000364.4, NM_001406723.1); c.218A>C, p.Asn73Thr (NM_001001430.3, NM_001001431.3, NM_001276347.2 and 3 more transcripts); c.203A>C, p.Asn68Thr (NM_001001432.3, NM_001406728.1); c.245A>C, p.Asn82Thr (NM_001276346.2); c.215A>C, p.Asn72Thr (NM_001406725.1); c.218A>C (NM_001001430.1); short protein forms N72T, N82T, N83T, N73T, N68T.
Identifiers: ClinVar variation 1997171 (VCV001997171.7), dbSNP rs397516450, ClinGen allele CA344206719.
Genomic context (GRCh38, chr1:201,365,656, plus strand): 5'-CAGCCACCGCTTACATCAAAGTCCACTCTCTCTCCATCGGGGATCTTGGGAGGCACCAAG[T>G]TGGGCATGAACGACCTGTTGGAGAGAGGAATAGTCAGCATCAGCCCCATTCTGGACCCAG-3'
Protein context (NP_001263274.1, residues 73-93): SKPKPRSFMP[Asn83Thr]LVPPKIPDGE